The following is an entry in ClinVar:

NM_000492.4(CFTR):c.3325A>G (p.Ile1109Val)

Genes: CFTR (CF transmembrane conductance regulator; plus strand), CFTR-AS2 (CFTR antisense RNA 2; minus strand), LOC111674472 (DNase I hypersensitive sites in introns 16 and 17a of CFTR; plus strand). Cytogenetic location: 7q31.2.
Variant type: single nucleotide variant.
Coding change: c.3325A>G on transcript NM_000492.4 (MANE Select); coding-DNA position 3325, A replaced by G.
Protein change: p.Ile1109Val; replaces isoleucine 1109 with valine.
Molecular consequence: missense variant.
Genome position (GRCh38, 1-based): chr7:117,611,766, A>G. VCF-style: chr7-117611766-A-G. GRCh37 (hg19) VCF-style: chr7-117251820-A-G.
Other names: short protein forms I1109V.
Identifiers: ClinVar variation 632767 (VCV000632767.5), dbSNP rs759394109, ClinGen allele CA4451424.

ClinVar aggregate classification (germline): Uncertain significance. Review status: criteria provided, multiple submitters, no conflicts (2 of 4 stars). 4 submissions from 4 submitters: Uncertain significance (3). 1 of the submissions does not count toward it. Last evaluated 2026-04-15.

Conditions:
CFTR-related disorder (CFTR-RD). Also called: CFTR-related condition; CFTR-related disorders. Identifiers: MedGen C5924204, MONDO:7770004.
Cystic fibrosis (CF). Also called: MUCOVISCIDOSIS. Identifiers: Orphanet 586, MedGen C0010674, MONDO:0009061, OMIM 219700. Disease mechanism: loss of function.

Allele frequency attached by ClinVar (database versions not stated): ExAC 0.00001; gnomAD exomes below 0.00001; gnomAD 0.00001 and 0.00002; TOPMed 0.00001.
gnomAD v4.1: 3 of 1,613,218 alleles (0.00019%); highest among the groups gnomAD compares: African/African-American, 0.0027%; no homozygotes.

Submissions (4):

Ambry Genetics
Classification: Uncertain significance for Cystic fibrosis. Last evaluated: 2026-04-15. Review status: criteria provided, single submitter. Criteria: Ambry Variant Classification Scheme 2023. Collection method: clinical testing. Allele origin: germline.
Comment: The p.I1109V variant (also known as c.3325A>G), located in coding exon 20 of the CFTR gene, results from an A to G substitution at nucleotide position 3325. The isoleucine at codon 1109 is replaced by valine, an amino acid with highly similar properties. This amino acid position is poorly conserved in available vertebrate species. In addition, this alteration is predicted to be tolerated by in silico analysis. Based on the available evidence, the clinical significance of this variant remains unclear.

Labcorp Genetics (formerly Invitae), Labcorp
Classification: Uncertain significance for Cystic fibrosis. Last evaluated: 2022-02-06. Review status: criteria provided, single submitter. Criteria: Invitae Variant Classification Sherloc (09022015). Collection method: clinical testing. Allele origin: germline.
Comment: This sequence change replaces isoleucine, which is neutral and non-polar, with valine, which is neutral and non-polar, at codon 1109 of the CFTR protein (p.Ile1109Val). This variant is present in population databases (rs759394109, gnomAD 0.003%). This variant has not been reported in the literature in individuals affected with CFTR-related conditions. ClinVar contains an entry for this variant (Variation ID: 632767). Algorithms developed to predict the effect of missense changes on protein structure and function output the following: SIFT: "Tolerated"; PolyPhen-2: "Benign"; Align-GVGD: "Class C0". The valine amino acid residue is found in multiple mammalian species, which suggests that this missense change does not adversely affect protein function. In summary, the available evidence is currently insufficient to determine the role of this variant in disease. Therefore, it has been classified as a Variant of Uncertain Significance.

Women's Health and Genetics/Laboratory Corporation of America, LabCorp
Classification: Uncertain significance. Last evaluated: 2017-12-21. Review status: criteria provided, single submitter. Criteria: LabCorp Variant Classification Summary - May 2015. Collection method: clinical testing. Allele origin: germline.
Comment: Variant summary: The CFTR c.3325A>G (p.Ile1109Val) variant involves the alteration of a non-conserved nucleotide located at the ABC transporter type 1, transmembrane domain (InterPro). 4/5 in silico tools predict a benign outcome for this variant. This variant was found in 1/245714 control chromosomes at a frequency of 0.0000041, which does not exceed the estimated maximal expected allele frequency of a pathogenic CFTR variant (0.0129603). The variant of interest has not, to our knowledge, been reported in affected individuals via publications and/or reputable databases/clinical diagnostic laboratories; nor evaluated for functional impact by in vivo/vitro studies. Because of the absence of clinical information and the lack of functional studies, the variant is classified as a variant of uncertain significance (VUS) until additional information becomes available.

Natera, Inc.
Classification: Uncertain significance for CFTR-related disorders. Last evaluated: 2019-02-04. Review status: no assertion criteria provided. Collection method: clinical testing. Allele origin: germline. Not counted in ClinVar's aggregate classification.